The following is an entry in ClinVar:

NM_001130438.3(SPTAN1):c.3510G>A (p.Val1170=)

Gene: SPTAN1 (spectrin alpha, non-erythrocytic 1; plus strand). Cytogenetic location: 9q34.11.
Variant type: single nucleotide variant.
Coding change: c.3510G>A on transcript NM_001130438.3 (MANE Select); coding-DNA position 3510, G replaced by A.
Protein change: p.Val1170=; no amino-acid change (valine 1170 retained).
Molecular consequence: synonymous variant.
Genome position (GRCh38, 1-based): chr9:128,598,495, G>A. VCF-style: chr9-128598495-G-A. GRCh37 (hg19) VCF-style: chr9-131360774-G-A.
Other names: c.3450G>A, p.Val1150= (NM_001195532.2, NM_001363765.2); c.3510G>A, p.Val1170= (NM_001363759.2, NM_003127.4).
Identifiers: ClinVar variation 668312 (VCV000668312.13), dbSNP rs935038001, ClinGen allele CA200392258.

ClinVar aggregate classification (germline): Likely benign. Review status: criteria provided, multiple submitters, no conflicts (2 of 4 stars). 3 submissions from 3 submitters: Likely benign (3). Last evaluated 2025-11-09.

Conditions:
Early-infantile DEE. Also called: Early infantile epileptic encephalopathy; Early infantile epileptic encephalopathy with suppression bursts; Ohtahara syndrome. Identifiers: Orphanet 1934, MedGen C0393706, MONDO:0800491.

Allele frequency attached by ClinVar (database versions not stated): TOPMed 0.00002; gnomAD 0.00004 and 0.00005.
gnomAD v4.1: 29 of 1,606,820 alleles (0.0018%); highest among the groups gnomAD compares: Non-Finnish European, 0.0024%; no homozygotes.

Submissions (3):

Labcorp Genetics (formerly Invitae), Labcorp
Classification: Likely benign for Early-infantile DEE. Last evaluated: 2025-11-09. Review status: criteria provided, single submitter. Criteria: Invitae Variant Classification Sherloc (09022015). Collection method: clinical testing. Allele origin: germline.

Blueprint Genetics
Classification: Likely benign. Last evaluated: 2020-10-22. Review status: criteria provided, single submitter. Criteria: ACMG Guidelines, 2015. Collection method: clinical testing. Allele origin: germline.

GeneDx
Classification: Likely benign. Last evaluated: 2018-05-08. Review status: criteria provided, single submitter. Criteria: GeneDx Variant Classification (06012015). Collection method: clinical testing. Allele origin: germline. Affected: yes.
Comment: This variant is considered likely benign or benign based on one or more of the following criteria: it is a conservative change, it occurs at a poorly conserved position in the protein, it is predicted to be benign by multiple in silico algorithms, and/or has population frequency not consistent with disease.